The following is an entry in ClinVar:

ClinVar aggregate classification (germline): Uncertain significance (1 of 4 stars; one submission).

Conditions:
Pyogenic arthritis-pyoderma gangrenosum-acne syndrome (PAPA). Also called: PAPA SYNDROME; FAMILIAL RECURRENT ARTHRITIS. Identifiers: Orphanet 69126, MedGen C1858361, MONDO:0011462, OMIM 604416.

Allele frequency attached by ClinVar (database versions not stated): TOPMed 0.00001; ExAC 0.00006.

Submission:

Labcorp Genetics (formerly Invitae), Labcorp
Classification: Uncertain significance for Pyogenic arthritis-pyoderma gangrenosum-acne syndrome. Last evaluated: 2025-10-26. Review status: criteria provided, single submitter. Criteria: Invitae Variant Classification Sherloc (09022015). Collection method: clinical testing. Allele origin: germline.
Comment: This sequence change replaces aspartic acid, which is acidic and polar, with asparagine, which is neutral and polar, at codon 289 of the PSTPIP1 protein (p.Asp289Asn). The frequency data for this variant in the population databases is considered unreliable, as metrics indicate poor data quality at this position in the gnomAD database. This variant has not been reported in the literature in individuals affected with PSTPIP1-related conditions. ClinVar contains an entry for this variant (Variation ID: 2161423). Invitae Evidence Modeling of protein sequence and biophysical properties (such as structural, functional, and spatial information, amino acid conservation, physicochemical variation, residue mobility, and thermodynamic stability) indicates that this missense variant is not expected to disrupt PSTPIP1 protein function with a negative predictive value of 80%. In summary, the available evidence is currently insufficient to determine the role of this variant in disease. Therefore, it has been classified as a Variant of Uncertain Significance.

NM_003978.5(PSTPIP1):c.865G>A (p.Asp289Asn)

Gene: PSTPIP1 (proline-serine-threonine phosphatase interacting protein 1; plus strand). Cytogenetic location: 15q24.3.
Variant type: single nucleotide variant.
Coding change: c.865G>A on transcript NM_003978.5 (MANE Select); coding-DNA position 865, G replaced by A.
Protein change: p.Asp289Asn; replaces aspartic acid 289 with asparagine.
Molecular consequence: missense variant. On other transcripts: intron variant (1).
Genome position (GRCh38, 1-based): chr15:77,032,888, G>A. VCF-style: chr15-77032888-G-A. GRCh37 (hg19) VCF-style: chr15-77325229-G-A.
Other names: c.838G>A, p.Asp280Asn (NM_001321136.2); c.1060G>A, p.Asp354Asn (NM_001321137.1); c.865G>A, p.Asp289Asn (NM_001411086.1); c.872+460G>A (NM_001321135.2); short protein forms D354N, D280N, D289N.
Identifiers: ClinVar variation 2161423 (VCV002161423.4), dbSNP rs774164456, ClinGen allele CA7676054.
Genomic context (GRCh38, chr15:77,032,888, plus strand): 5'-GGCCGCCCTGGGGCTCACGGCTTGCTGTCTGCAGCTCCGGTGCCCTACCAGAACTATTAC[G>A]ATCGGGAGGTCACCCCGCTGACCAGCAGCCCTGGCATACAGCCGTCCTGCGGCATGATAA-3'
Protein context (NP_003969.2, residues 279-299): PAPVPYQNYY[Asp289Asn]REVTPLTSSP